The following is an entry in ClinVar:

NM_000465.4(BARD1):c.1345C>G (p.Gln449Glu)

Gene: BARD1 (BRCA1 associated RING domain 1; minus strand). Cytogenetic location: 2q35.
Variant type: single nucleotide variant.
Coding change: c.1345C>G on transcript NM_000465.4 (MANE Select); coding-DNA position 1345, C replaced by G.
Protein change: p.Gln449Glu; replaces glutamine 449 with glutamic acid.
Molecular consequence: missense variant. On other transcripts: non-coding transcript variant (3), intron variant (3).
Genome position (GRCh38, 1-based): chr2:214,769,282, G>C on the plus strand (C>G on the coding strand, the complement: BARD1 is on the minus strand). VCF-style: chr2-214769282-G-C. GRCh37 (hg19) VCF-style: chr2-215634006-G-C.
Other names: c.1288C>G, p.Gln430Glu (NM_001282543.2); c.159-16727C>G (NM_001282548.2); c.216-16727C>G (NM_001282545.2); c.364+23015C>G (NM_001282549.2); short protein forms Q430E, Q449E.
Identifiers: ClinVar variation 2784578 (VCV002784578.3), dbSNP rs1553619721, ClinGen allele CA350450415.

ClinVar aggregate classification (germline): Uncertain significance (1 of 4 stars; one submission).

Conditions:
Familial cancer of breast. Also called: Hereditary breast cancer; BREAST CANCER, FAMILIAL; hereditary breast carcinoma. Identifiers: Orphanet 227535, MedGen C0346153, MONDO:0016419, OMIM 114480. Disease mechanism: loss of function.

Submission:

Labcorp Genetics (formerly Invitae), Labcorp
Classification: Uncertain significance for Familial cancer of breast. Last evaluated: 2023-07-10. Review status: criteria provided, single submitter. Criteria: Invitae Variant Classification Sherloc (09022015). Collection method: clinical testing. Allele origin: germline.
Comment: This sequence change replaces glutamine, which is neutral and polar, with glutamic acid, which is acidic and polar, at codon 449 of the BARD1 protein (p.Gln449Glu). In summary, the available evidence is currently insufficient to determine the role of this variant in disease. Therefore, it has been classified as a Variant of Uncertain Significance. An algorithm developed to predict the effect of missense changes on protein structure and function (PolyPhen-2) suggests that this variant is likely to be tolerated. This variant has not been reported in the literature in individuals affected with BARD1-related conditions. This variant is not present in population databases (gnomAD no frequency).